The following is an entry in ClinVar:

ClinVar aggregate classification (germline): Uncertain significance. Review status: criteria provided, multiple submitters, no conflicts (2 of 4 stars). 2 submissions from 2 submitters: Uncertain significance (2). Last evaluated 2023-06-20.

Conditions:
Beckwith-Wiedemann syndrome (BWS). Also called: Exomphalos macroglossia gigantism syndrome; EMG SYNDROME. Identifiers: Orphanet 116, MedGen C0004903, MONDO:0007534, OMIM 130650.

Submissions (2):

Baylor Genetics
Classification: Uncertain significance for Beckwith-Wiedemann syndrome. Last evaluated: 2023-06-20. Review status: criteria provided, single submitter. Criteria: ACMG Guidelines, 2015. Collection method: clinical testing. Allele origin: unknown.

Labcorp Genetics (formerly Invitae), Labcorp
Classification: Uncertain significance for Beckwith-Wiedemann syndrome. Last evaluated: 2022-11-15. Review status: criteria provided, single submitter. Criteria: Invitae Variant Classification Sherloc (09022015). Collection method: clinical testing. Allele origin: germline.
Comment: Algorithms developed to predict the effect of missense changes on protein structure and function are either unavailable or do not agree on the potential impact of this missense change (SIFT: "Tolerated"; PolyPhen-2: "Not Available"; Align-GVGD: "Class C0"). This variant has not been reported in the literature in individuals affected with CDKN1C-related conditions. This variant is not present in population databases (gnomAD no frequency). This sequence change replaces serine, which is neutral and polar, with threonine, which is neutral and polar, at codon 138 of the CDKN1C protein (p.Ser138Thr). In summary, the available evidence is currently insufficient to determine the role of this variant in disease. Therefore, it has been classified as a Variant of Uncertain Significance.

NM_001122630.2(CDKN1C):c.380G>C (p.Ser127Thr)

Gene: CDKN1C (cyclin dependent kinase inhibitor 1C; minus strand). Cytogenetic location: 11p15.4.
Variant type: single nucleotide variant.
Coding change: c.380G>C on transcript NM_001122630.2 (MANE Select); coding-DNA position 380, G replaced by C.
Protein change: p.Ser127Thr; replaces serine 127 with threonine.
Molecular consequence: missense variant. On other transcripts: intron variant (1).
Genome position (GRCh38, 1-based): chr11:2,885,077, C>G on the plus strand (G>C on the coding strand, the complement: CDKN1C is on the minus strand). VCF-style: chr11-2885077-C-G. GRCh37 (hg19) VCF-style: chr11-2906307-C-G.
Other names: c.413G>C, p.Ser138Thr (NM_000076.2, NM_001362474.2); c.380G>C, p.Ser127Thr (NM_001122631.2); c.255+125G>C (NM_001362475.2); short protein forms S127T, S138T.
Identifiers: ClinVar variation 2680542 (VCV002680542.4), dbSNP rs2494388314, ClinGen allele CA379146746.